The following is an entry in ClinVar:

NM_005609.4(PYGM):c.2319del (p.Val774fs)

Gene: PYGM (glycogen phosphorylase, muscle associated; minus strand). Cytogenetic location: 11q13.1.
Variant type: Deletion.
Coding change: c.2319del on transcript NM_005609.4 (MANE Select); coding-DNA position 2319, one base deleted (A; older notation c.2319delA).
Protein change: p.Val774fs; shifts the reading frame from valine 774.
Molecular consequence: frameshift variant.
Genome position (GRCh38, 1-based): chr11:64,746,981, T deleted on the plus strand (A on the coding strand, the reverse complement: PYGM is on the minus strand); the first of 3 consecutive T bases (chr11:64,746,981-64,746,983); deleting any one gives the same sequence. VCF-style (leftmost placement, unchanged base first): chr11-64746980-CT-C. GRCh37 (hg19) VCF-style: chr11-64514452-CT-C.
Other names: c.2055del, p.Val686fs (NM_001164716.1); short protein forms V686fs, V774fs.
Identifiers: ClinVar variation 553519 (VCV000553519.5), dbSNP rs1462767117, ClinGen allele CA658822239.
Genomic context (GRCh38, chr11:64,746,980, plus strand): 5'-CCTTGTACAAGGCGCTGACTTTCTCCTGGCATTTAATGTAGTCTTCATAATCTGCGAAGA[CT>C]TTAAACCTGGAGGGGAAAGGATAGGCATGTGCTATTCCTTTAGGGGGCTAGGATAAGTTC-3'

ClinVar aggregate classification (germline): Pathogenic. Review status: criteria provided, single submitter (1 of 4 stars). 2 submissions from 2 submitters: Pathogenic (1). 1 of the submissions does not count toward it. Last evaluated 2023-02-02.

Conditions:
Glycogen storage disease, type V (GSD5). Also called: MCARDLE DISEASE; MUSCLE GLYCOGEN PHOSPHORYLASE DEFICIENCY; MYOPHOSPHORYLASE DEFICIENCY; PYGM DEFICIENCY; McArdle type glycogen storage disease. Identifiers: Orphanet 368, MedGen C0017924, MONDO:0009293, OMIM 232600.

Submissions (2):

Labcorp Genetics (formerly Invitae), Labcorp
Classification: Pathogenic for Glycogen storage disease, type V. Last evaluated: 2023-02-02. Review status: criteria provided, single submitter. Criteria: Invitae Variant Classification Sherloc (09022015). Collection method: clinical testing. Allele origin: germline.
Comment: For these reasons, this variant has been classified as Pathogenic. This variant disrupts a region of the PYGM protein in which other variant(s) (p.Trp798Arg) have been determined to be pathogenic (PMID: 19251976, 21802952, 22250184). This suggests that this is a clinically significant region of the protein, and that variants that disrupt it are likely to be disease-causing. ClinVar contains an entry for this variant (Variation ID: 553519). This variant has not been reported in the literature in individuals affected with PYGM-related conditions. This variant is not present in population databases (gnomAD no frequency). This sequence change creates a premature translational stop signal (p.Val774Serfs*29) in the PYGM gene. While this is not anticipated to result in nonsense mediated decay, it is expected to disrupt the last 69 amino acid(s) of the PYGM protein.

Counsyl
Classification: Likely pathogenic for Glycogen storage disease, type V. Last evaluated: 2017-08-22. Review status: no assertion criteria provided. Collection method: clinical testing. Allele origin: unknown. Not counted in ClinVar's aggregate classification.

Literature cited by the submitters: PubMed 19251976 (cited by Labcorp Genetics (formerly Invitae), Labcorp); PubMed 21802952 (cited by Labcorp Genetics (formerly Invitae), Labcorp); PubMed 22250184 (cited by Labcorp Genetics (formerly Invitae), Labcorp).